The following is an entry in ClinVar:

NM_001267550.2(TTN):c.90410C>T (p.Pro30137Leu)

Genes: TTN (titin; minus strand), TTN-AS1 (TTN antisense RNA 1; plus strand). Cytogenetic location: 2q31.2.
Variant type: single nucleotide variant.
Coding change: c.90410C>T on transcript NM_001267550.2 (MANE Select); coding-DNA position 90410, C replaced by T.
Protein change: p.Pro30137Leu; replaces proline 30137 with leucine.
Molecular consequence: missense variant.
Genome position (GRCh38, 1-based): chr2:178,552,490, G>A on the plus strand (C>T on the coding strand, the complement: TTN is on the minus strand). VCF-style: chr2-178552490-G-A. GRCh37 (hg19) VCF-style: chr2-179417217-G-A.
Other names: c.85487C>T, p.Pro28496Leu (NM_001256850.1); c.63215C>T, p.Pro21072Leu (NM_003319.4); c.82706C>T, p.Pro27569Leu (NM_133378.4); c.63590C>T, p.Pro21197Leu (NM_133432.3); c.63791C>T, p.Pro21264Leu (NM_133437.4); short protein forms P21197L, P21264L, P27569L, P21072L, P28496L, P30137L.
Identifiers: ClinVar variation 1752852 (VCV001752852.2), dbSNP rs2469292988, ClinGen allele CA349511017.
Genomic context (GRCh38, chr2:178,552,490, plus strand): 5'-CCCTTATAAGGTAATTCAAGGTGCACATTGTGCCCAATTCTCACAGTGACTTGTGCCCCA[G>A]GGATATCTGACAGGTCAACTTCAGGTGTAATAATAAGTTCTTTCACTGTAATTGGCCCAA-3'
Protein context (NP_001254479.2, residues 30127-30147): ITPEVDLSDI[Pro30137Leu]GAQVTVRIGH

ClinVar aggregate classification (germline): Uncertain significance (1 of 4 stars; one submission).

Conditions:
Cardiovascular phenotype. Identifiers: MedGen CN230736.

Allele frequency attached by ClinVar (database versions not stated): gnomAD exomes below 0.00001.
gnomAD v4.1: 1 of 1,612,744 alleles (0.000062%); highest among the groups gnomAD compares: Non-Finnish European, 0.000085%; no homozygotes.

Submission:

Ambry Genetics
Classification: Uncertain significance for Cardiovascular phenotype. Last evaluated: 2020-08-03. Review status: criteria provided, single submitter. Criteria: Ambry Variant Classification Scheme 2023. Collection method: clinical testing. Allele origin: germline.
Comment: The p.P21072L variant (also known as c.63215C>T), located in coding exon 162 of the TTN gene, results from a C to T substitution at nucleotide position 63215. The proline at codon 21072 is replaced by leucine, an amino acid with similar properties. This amino acid position is highly conserved in available vertebrate species. In addition, this alteration is predicted to be tolerated by in silico analysis. Since supporting evidence is limited at this time, the clinical significance of this alteration remains unclear.